The following is an entry in ClinVar:

ClinVar aggregate classification (germline): Likely pathogenic (1 of 4 stars; one submission).

Conditions:
Glycogen storage disease type III (GSD3). Also called: Cori disease; FORBES DISEASE. Identifiers: Orphanet 366, MedGen C0017922, MONDO:0009291, OMIM 232400.

Allele frequency attached by ClinVar (database versions not stated): gnomAD exomes below 0.00001; TOPMed below 0.00001.
gnomAD v4.1: 4 of 1,613,910 alleles (0.00025%); highest among the groups gnomAD compares: Admixed American, 0.0017%; no homozygotes.

Submissions (2):

Labcorp Genetics (formerly Invitae), Labcorp
Classification: Likely pathogenic for Glycogen storage disease type III. Last evaluated: 2023-06-29. Review status: criteria provided, single submitter. Criteria: Invitae Variant Classification Sherloc (09022015). Collection method: clinical testing. Allele origin: germline.
Comment: In summary, the currently available evidence indicates that the variant is pathogenic, but additional data are needed to prove that conclusively. Therefore, this variant has been classified as Likely Pathogenic. Algorithms developed to predict the effect of sequence changes on RNA splicing suggest that this variant may disrupt the consensus splice site. ClinVar contains an entry for this variant (Variation ID: 2088431). Disruption of this splice site has been observed in individual(s) with glycogen storage disease (Invitae). This variant is present in population databases (no rsID available, gnomAD 0.003%). This sequence change affects an acceptor splice site in intron 16 of the AGL gene. It is expected to disrupt RNA splicing. Variants that disrupt the donor or acceptor splice site typically lead to a loss of protein function (PMID: 16199547), and loss-of-function variants in AGL are known to be pathogenic (PMID: 19299494).

Dr. Peter K. Rogan Lab, Western University
No classification provided (evidence only). Condition: Colon adenocarcinoma. Review status: no classification provided. Collection method: in vitro. Allele origin: not applicable. Functional consequence: retained intron. Not counted in ClinVar's aggregate classification.

Literature cited by the submitters: PubMed 16199547 (cited by Labcorp Genetics (formerly Invitae), Labcorp); PubMed 19299494 (cited by Labcorp Genetics (formerly Invitae), Labcorp).

NM_000642.3(AGL):c.2158-1G>T

Gene: AGL (amylo-alpha-1,6-glucosidase and 4-alpha-glucanotransferase; plus strand). Cytogenetic location: 1p21.2.
Variant type: single nucleotide variant.
Coding change: c.2158-1G>T on transcript NM_000642.3 (MANE Select); the canonical splice acceptor site of the intron before coding-DNA position 2158, G replaced by T.
Molecular consequence: splice acceptor variant.
Genome position (GRCh38, 1-based): chr1:99,881,540, G>T. VCF-style: chr1-99881540-G-T. GRCh37 (hg19) VCF-style: chr1-100347096-G-T.
Other names: c.2158-1G>T (NM_000643.3, NM_000644.3, NM_001425326.1 and 2 more transcripts); c.2110-1G>T (NM_000646.3); c.1957-1G>T (NM_001425327.1); c.1954-1G>T (NM_001425328.1, NM_001425329.1); c.1780-1G>T (NM_001425332.1).
Identifiers: ClinVar variation 2088431 (VCV002088431.5), dbSNP rs886043990, ClinGen allele CA341319570.
Genomic context (GRCh38, chr1:99,881,540, plus strand): 5'-CAATTTCAGAGTAAGTCTTTCCAGTTTGAGAGCTAATCTAGTTGTTCTTTCTGCTTCTCA[G>T]GTGTATGTGGATCAAGTTGATGAAGACATAGTGGCAGTAACAAGACACTCACCTAGCATC-3'